The following is an entry in ClinVar:

NM_000170.3(GLDC):c.1007T>C (p.Val336Ala)

Gene: GLDC (glycine decarboxylase; minus strand). Cytogenetic location: 9p24.1.
Variant type: single nucleotide variant.
Coding change: c.1007T>C on transcript NM_000170.3 (MANE Select); coding-DNA position 1007, T replaced by C.
Protein change: p.Val336Ala; replaces valine 336 with alanine.
Molecular consequence: missense variant.
Genome position (GRCh38, 1-based): chr9:6,604,639, A>G on the plus strand (T>C on the coding strand, the complement: GLDC is on the minus strand). VCF-style: chr9-6604639-A-G. GRCh37 (hg19) VCF-style: chr9-6604639-A-G.
Other names: short protein forms V336A.
Identifiers: ClinVar variation 972023 (VCV000972023.10), dbSNP rs1563856669, ClinGen allele CA372895484.
Genomic context (GRCh38, chr9:6,604,639, plus strand): 5'-CCCCTTTACCTTGTTACCCCCACCATTCTTCCAGGCATCATTCTCACCAAGCTTTCTCGG[A>G]CAGCAAAAAATGCTGCATGGGGTCCCCCATAGCCCAGTGGCACTCCAAATCTCTGGGAGC-3'
Protein context (NP_000161.2, residues 326-346): YGGPHAAFFA[Val336Ala]RESLVRMMPG

ClinVar aggregate classification (germline): Uncertain significance (1 of 4 stars; one submission).

Conditions:
Glycine encephalopathy. Also called: Non-ketotic hyperglycinemia; Nonketotic hyperglycinemia. Identifiers: Orphanet 407, MedGen C0751748, MONDO:0011612, HP:0008288.

Allele frequency attached by ClinVar (database versions not stated): gnomAD exomes below 0.00001 and 0.00001.
gnomAD v4.1: 16 of 1,613,702 alleles (0.00099%); highest among the groups gnomAD compares: East Asian, 0.0022%; no homozygotes.

Submission:

Labcorp Genetics (formerly Invitae), Labcorp
Classification: Uncertain significance for Glycine encephalopathy. Last evaluated: 2023-05-21. Review status: criteria provided, single submitter. Criteria: Invitae Variant Classification Sherloc (09022015). Collection method: clinical testing. Allele origin: germline.
Comment: In summary, the available evidence is currently insufficient to determine the role of this variant in disease. Therefore, it has been classified as a Variant of Uncertain Significance. Advanced modeling of protein sequence and biophysical properties (such as structural, functional, and spatial information, amino acid conservation, physicochemical variation, residue mobility, and thermodynamic stability) performed at Invitae indicates that this missense variant is not expected to disrupt GLDC protein function. ClinVar contains an entry for this variant (Variation ID: 972023). This variant has not been reported in the literature in individuals affected with GLDC-related conditions. This variant is not present in population databases (gnomAD no frequency). This sequence change replaces valine, which is neutral and non-polar, with alanine, which is neutral and non-polar, at codon 336 of the GLDC protein (p.Val336Ala).